The following is an entry in ClinVar:

ClinVar aggregate classification (germline): Uncertain significance (1 of 4 stars; one submission).

Conditions:
EFTUD2-related disorder. Also called: EFTUD2-related condition.

Allele frequency attached by ClinVar (database versions not stated): gnomAD exomes 0.00001.
gnomAD v4.1: 14 of 1,613,688 alleles (0.00087%); highest among the groups gnomAD compares: Non-Finnish European, 0.0012%; no homozygotes.

Submission:

PreventionGenetics, part of Exact Sciences
Classification: Uncertain significance for EFTUD2-related condition. Last evaluated: 2022-11-28. Review status: criteria provided, single submitter. Criteria: ACMG Guidelines, 2015. Collection method: clinical testing. Allele origin: germline.
Comment: The EFTUD2 c.2831G>T variant is predicted to result in the amino acid substitution p.Ser944Ile. To our knowledge, this variant has not been reported in the literature. This variant is reported in 0.00089% of alleles in individuals of European (Non-Finnish) descent in gnomAD. At this time, the clinical significance of this variant is uncertain due to the absence of conclusive functional and genetic evidence.

NM_004247.4(EFTUD2):c.2831G>T (p.Ser944Ile)

Gene: EFTUD2 (elongation factor Tu GTP binding domain containing 2; minus strand). Cytogenetic location: 17q21.31.
Variant type: single nucleotide variant.
Coding change: c.2831G>T on transcript NM_004247.4 (MANE Select); coding-DNA position 2831, G replaced by T.
Protein change: p.Ser944Ile; replaces serine 944 with isoleucine.
Molecular consequence: missense variant.
Genome position (GRCh38, 1-based): chr17:44,851,362, C>A on the plus strand (G>T on the coding strand, the complement: EFTUD2 is on the minus strand). VCF-style: chr17-44851362-C-A. GRCh37 (hg19) VCF-style: chr17-42928730-C-A.
Other names: c.2726G>T, p.Ser909Ile (NM_001142605.2); c.2831G>T, p.Ser944Ile (NM_001258353.2); c.2801G>T, p.Ser934Ile (NM_001258354.2); short protein forms S909I, S934I, S944I.
Identifiers: ClinVar variation 2634955 (VCV002634955.1), dbSNP rs1191076207, ClinGen allele CA399837507.